The following is an entry in ClinVar:

ClinVar aggregate classification (germline): Uncertain significance. Review status: criteria provided, multiple submitters, no conflicts (2 of 4 stars). 2 submissions from 2 submitters: Uncertain significance (2). Last evaluated 2025-10-15.

Conditions:
Inborn genetic diseases. Identifiers: MedGen C0950123, MeSH D030342.
Lethal multiple pterygium syndrome (LMPS). Identifiers: Orphanet 33108, MedGen C1854678, MONDO:0009668, OMIM 253290.

Allele frequency attached by ClinVar (database versions not stated): ExAC 0.00002; ESP Exome Variant Server 0.00008.

Submissions (2):

Labcorp Genetics (formerly Invitae), Labcorp
Classification: Uncertain significance for Lethal multiple pterygium syndrome. Last evaluated: 2025-10-15. Review status: criteria provided, single submitter. Criteria: Invitae Variant Classification Sherloc (09022015). Collection method: clinical testing. Allele origin: germline.
Comment: This sequence change replaces threonine, which is neutral and polar, with arginine, which is basic and polar, at codon 468 of the CHRND protein (p.Thr468Arg). This variant is present in population databases (rs374459301, gnomAD 0.004%). This variant has not been reported in the literature in individuals affected with CHRND-related conditions. ClinVar contains an entry for this variant (Variation ID: 2694966). Invitae Evidence Modeling of protein sequence and biophysical properties (such as structural, functional, and spatial information, amino acid conservation, physicochemical variation, residue mobility, and thermodynamic stability) indicates that this missense variant is expected to disrupt CHRND protein function with a positive predictive value of 95%. In summary, the available evidence is currently insufficient to determine the role of this variant in disease. Therefore, it has been classified as a Variant of Uncertain Significance.

Ambry Genetics
Classification: Uncertain significance for Inborn genetic diseases. Last evaluated: 2025-02-06. Review status: criteria provided, single submitter. Criteria: Ambry Variant Classification Scheme 2023. Collection method: clinical testing. Allele origin: germline.

NM_000751.3(CHRND):c.1403C>G (p.Thr468Arg)

Gene: CHRND (cholinergic receptor nicotinic delta subunit; plus strand). Cytogenetic location: 2q37.1.
Variant type: single nucleotide variant.
Coding change: c.1403C>G on transcript NM_000751.3 (MANE Select); coding-DNA position 1403, C replaced by G.
Protein change: p.Thr468Arg; replaces threonine 468 with arginine.
Molecular consequence: missense variant.
Genome position (GRCh38, 1-based): chr2:232,535,161, C>G. VCF-style: chr2-232535161-C-G. GRCh37 (hg19) VCF-style: chr2-233399871-C-G.
Other names: c.1358C>G, p.Thr453Arg (NM_001256657.2); c.821C>G, p.Thr274Arg (NM_001311195.2); c.1100C>G, p.Thr367Arg (NM_001311196.2); c.1403C>G (NM_000751.1); short protein forms T367R, T453R, T274R, T468R.
Identifiers: ClinVar variation 2694966 (VCV002694966.4), dbSNP rs374459301, ClinGen allele CA2168352.